The following is an entry in ClinVar:

NM_014989.7(RIMS1):c.4295C>A (p.Ser1432Tyr)

Gene: RIMS1 (regulating synaptic membrane exocytosis 1; plus strand). Cytogenetic location: 6q13.
Variant type: single nucleotide variant.
Coding change: c.4295C>A on transcript NM_014989.7 (MANE Select); coding-DNA position 4295, C replaced by A.
Protein change: p.Ser1432Tyr; replaces serine 1432 with tyrosine.
Molecular consequence: missense variant. On other transcripts: intron variant (24).
Genome position (GRCh38, 1-based): chr6:72,333,764, C>A. VCF-style: chr6-72333764-C-A. GRCh37 (hg19) VCF-style: chr6-73043467-C-A.
Other names: c.2351C>A, p.Ser784Tyr (NM_001350431.2); c.2342C>A, p.Ser781Tyr (NM_001350433.2); c.2204C>A, p.Ser735Tyr (NM_001350435.2); c.2447C>A, p.Ser816Tyr (NM_001350436.2); c.2198C>A, p.Ser733Tyr (NM_001350437.2); c.2186C>A, p.Ser729Tyr (NM_001350439.2); c.2183C>A, p.Ser728Tyr (NM_001350441.2); c.2156C>A, p.Ser719Tyr (NM_001350443.2); and 54 more; short protein forms S596Y, S621Y, S663Y, S705Y, S712Y, S728Y, S752Y, S753Y.
Identifiers: ClinVar variation 1422422 (VCV001422422.10), dbSNP rs1243030421, ClinGen allele CA364693145.

ClinVar aggregate classification (germline): Uncertain significance. Review status: criteria provided, multiple submitters, no conflicts (2 of 4 stars). 2 submissions from 2 submitters: Uncertain significance (2). Last evaluated 2022-03-09.

Allele frequency attached by ClinVar (database versions not stated): TOPMed 0.00002; gnomAD 0.00001; gnomAD exomes 0.00002.
gnomAD v4.1: 5 of 1,599,098 alleles (0.00031%); highest among the groups gnomAD compares: Admixed American, 0.0086%; no homozygotes.

Submissions (2):

Labcorp Genetics (formerly Invitae), Labcorp
Classification: Uncertain significance. Last evaluated: 2022-03-09. Review status: criteria provided, single submitter. Criteria: Invitae Variant Classification Sherloc (09022015). Collection method: clinical testing. Allele origin: germline.
Comment: This variant has not been reported in the literature in individuals affected with RIMS1-related conditions. The frequency data for this variant in the population databases is considered unreliable, as metrics indicate poor data quality at this position in the gnomAD database. This sequence change replaces serine, which is neutral and polar, with tyrosine, which is neutral and polar, at codon 1432 of the RIMS1 protein (p.Ser1432Tyr). Algorithms developed to predict the effect of missense changes on protein structure and function (SIFT, PolyPhen-2, Align-GVGD) all suggest that this variant is likely to be disruptive. In summary, the available evidence is currently insufficient to determine the role of this variant in disease. Therefore, it has been classified as a Variant of Uncertain Significance.

Revvity Omics, Revvity
Classification: Uncertain significance. Last evaluated: 2021-10-14. Review status: criteria provided, single submitter. Criteria: ACMG Guidelines, 2015. Collection method: clinical testing. Allele origin: germline.